The following is an entry in ClinVar:

ClinVar aggregate classification (germline): Pathogenic (1 of 4 stars; one submission).

Conditions:
Marfan syndrome (MFS). Also called: MARFAN SYNDROME, TYPE I; Marfan syndrome type 1; Marfan's syndrome; Marfan syndrome, classic; FBN1-Related Marfan Syndrome. Identifiers: Orphanet 284963, Orphanet 558, MedGen C0024796, MONDO:0007947, OMIM 154700.
Familial thoracic aortic aneurysm and aortic dissection (TAAD). Also called: Thoracic aortic aneurysms and dissections. Identifiers: Orphanet 91387, MedGen C4707243, MONDO:0019625.

Submission:

Labcorp Genetics (formerly Invitae), Labcorp
Classification: Pathogenic for Marfan syndrome; Familial thoracic aortic aneurysm and aortic dissection. Last evaluated: 2023-11-03. Review status: criteria provided, single submitter. Criteria: Invitae Variant Classification Sherloc (09022015). Collection method: clinical testing. Allele origin: germline.
Comment: This sequence change replaces isoleucine, which is neutral and non-polar, with lysine, which is basic and polar, at codon 724 of the FBN1 protein (p.Ile724Lys). This variant is not present in population databases (gnomAD no frequency). This missense change has been observed in individual(s) with clinical features of Marfan syndrome (Invitae). In at least one individual the variant was observed to be de novo. Advanced modeling of protein sequence and biophysical properties (such as structural, functional, and spatial information, amino acid conservation, physicochemical variation, residue mobility, and thermodynamic stability) performed at Invitae indicates that this missense variant is expected to disrupt FBN1 protein function with a positive predictive value of 95%. This variant disrupts the p.Ile724 amino acid residue in FBN1. Other variant(s) that disrupt this residue have been observed in individuals with FBN1-related conditions (PMID: 31825148; Invitae), which suggests that this may be a clinically significant amino acid residue. For these reasons, this variant has been classified as Pathogenic.

Literature cited by the submitters: PubMed 31825148.

NM_000138.5(FBN1):c.2171T>A (p.Ile724Lys)

Gene: FBN1 (fibrillin 1; minus strand). Cytogenetic location: 15q21.1.
Variant type: single nucleotide variant.
Coding change: c.2171T>A on transcript NM_000138.5 (MANE Select); coding-DNA position 2171, T replaced by A.
Protein change: p.Ile724Lys; replaces isoleucine 724 with lysine.
Molecular consequence: missense variant.
Genome position (GRCh38, 1-based): chr15:48,497,388, A>T on the plus strand (T>A on the coding strand, the complement: FBN1 is on the minus strand). VCF-style: chr15-48497388-A-T. GRCh37 (hg19) VCF-style: chr15-48789585-A-T.
Other names: c.2171T>A, p.Ile724Lys (NM_001406716.1); short protein forms I724K.
Identifiers: ClinVar variation 2941278 (VCV002941278.3), dbSNP rs878853677, ClinGen allele CA392335933.